The following is an entry in ClinVar:

NM_003108.4(SOX11):c.675C>A (p.Asp225Glu)

Gene: SOX11 (SRY-box transcription factor 11; plus strand). Cytogenetic location: 2p25.2.
Variant type: single nucleotide variant.
Coding change: c.675C>A on transcript NM_003108.4 (MANE Select); coding-DNA position 675, C replaced by A.
Protein change: p.Asp225Glu; replaces aspartic acid 225 with glutamic acid.
Molecular consequence: missense variant.
Genome position (GRCh38, 1-based): chr2:5,693,396, C>A. VCF-style: chr2-5693396-C-A. GRCh37 (hg19) VCF-style: chr2-5833528-C-A.
Other names: short protein forms D225E.
Identifiers: ClinVar variation 3653119 (VCV003653119.2).

ClinVar aggregate classification (germline): Uncertain significance (1 of 4 stars; one submission).

Submission:

Labcorp Genetics (formerly Invitae), Labcorp
Classification: Uncertain significance. Last evaluated: 2024-07-05. Review status: criteria provided, single submitter. Criteria: Invitae Variant Classification Sherloc (09022015). Collection method: clinical testing. Allele origin: germline.
Comment: This sequence change replaces aspartic acid, which is acidic and polar, with glutamic acid, which is acidic and polar, at codon 225 of the SOX11 protein (p.Asp225Glu). This variant is not present in population databases (gnomAD no frequency). This variant has not been reported in the literature in individuals affected with SOX11-related conditions. Advanced modeling of protein sequence and biophysical properties (such as structural, functional, and spatial information, amino acid conservation, physicochemical variation, residue mobility, and thermodynamic stability) performed at Invitae indicates that this missense variant is not expected to disrupt SOX11 protein function with a negative predictive value of 80%. In summary, the available evidence is currently insufficient to determine the role of this variant in disease. Therefore, it has been classified as a Variant of Uncertain Significance.